The following is an entry in ClinVar:

ClinVar aggregate classification (germline): Uncertain significance (1 of 4 stars; one submission).

Submission:

GeneDx
Classification: Uncertain significance. Last evaluated: 2013-05-30. Review status: criteria provided, single submitter. Criteria: GeneDx Variant Classification (06012015). Collection method: clinical testing. Allele origin: germline. Affected: yes.
Comment: The Ile522Phe missense change has not been published as a mutation, nor has it been reported as a benign polymorphism to our knowledge. The NHLBI ESP Exome Variant Project has not identified Ile522Phe in approximately 6,000 individuals of European or African American ethnicity, indicating that it is not a common benign variant in these populations. This amino acid substitution is conservative, as Isoleucine and Phenylalanine are both uncharged, non-polar amino acids. It alters a position in the third laminin G-like domain of the protein that is conserved through mammals but is not conserved in distant species, and missense mutations have not been reported in this region of the protein in association with epilepsy. Some in silico algorithms predict Ile522Phe may be damaging to protein structure/function, while another model suggests it may be benign. Therefore, based on the currently available information, it is unclear whether Ile522Phe is a disease-causing mutation or a rare benign variant. The variant is found in INFANT-EPI panel(s).

NM_001330078.2(NRXN1):c.1444A>T (p.Ile482Phe)

Gene: NRXN1 (neurexin 1; minus strand). Cytogenetic location: 2p16.3.
Variant type: single nucleotide variant.
Coding change: c.1444A>T on transcript NM_001330078.2 (MANE Select); coding-DNA position 1444, A replaced by T.
Protein change: p.Ile482Phe; replaces isoleucine 482 with phenylalanine.
Molecular consequence: missense variant.
Genome position (GRCh38, 1-based): chr2:50,552,902, T>A on the plus strand (A>T on the coding strand, the complement: NRXN1 is on the minus strand). VCF-style: chr2-50552902-T-A. GRCh37 (hg19) VCF-style: chr2-50780040-T-A.
Other names: p.I522F:ATC>TTC; c.1564A>T, p.Ile522Phe (NM_001135659.3); c.1420A>T, p.Ile474Phe (NM_001330077.2, NM_001330082.2, NM_001330095.2); c.1405A>T, p.Ile469Phe (NM_001330083.2, NM_001330084.2); c.1444A>T, p.Ile482Phe (NM_001330085.2, NM_001330086.2, NM_004801.6); c.1360A>T, p.Ile454Phe (NM_001330087.2, NM_001330096.2); c.1390A>T, p.Ile464Phe (NM_001330088.2); c.1441A>T, p.Ile481Phe (NM_001330093.2); and 1 more; short protein forms I522F, I474F, I478F, I481F, I454F, I482F, I469F, I464F.
Identifiers: ClinVar variation 206218 (VCV000206218.2), dbSNP rs796052767, ClinGen allele CA316085.
Genomic context (GRCh38, chr2:50,552,902, plus strand): 5'-CAGTTTTCTTTGCATTCCATTTAGGCAAAGAGATGAAAGACTCTGGGGTTTCAAAGGTGA[T>A]TGGGTCTAAAGTTGCAACATTCTCACATTTAAATGCCACCACTCCATGGATCTTCATCTT-3'
Protein context (NP_001317007.1, residues 472-492): KCENVATLDP[Ile482Phe]TFETPESFIS